The following is an entry in ClinVar:

NM_015443.4(KANSL1):c.2447A>G (p.His816Arg)

Gene: KANSL1 (KAT8 regulatory NSL complex subunit 1). Cytogenetic location: 17q21.31.
Variant type: single nucleotide variant.
Coding change: c.2447A>G on transcript NM_015443.4 (MANE Select); coding-DNA position 2447, A replaced by G.
Protein change: p.His816Arg; replaces histidine 816 with arginine.
Molecular consequence: missense variant.
Genome position (GRCh38, 1-based): chr17:46,038,632, T>C on the plus strand (A>G on the coding strand, the complement: KANSL1 is on the minus strand). VCF-style: chr17-46038632-T-C. GRCh37 (hg19) VCF-style: chr17-44115998-T-C.
Other names: c.2447A>G, p.His816Arg (NM_001193465.2, NM_001193466.2, NM_001379198.1); short protein forms H816R.
Identifiers: ClinVar variation 1427308 (VCV001427308.8), dbSNP rs2077222127, ClinGen allele CA399980429.
Genomic context (GRCh38, chr17:46,038,632, plus strand): 5'-GCGGGTGCAGGGGAATCTGAGGAGGTGGAGAGCTGTCGCACCAAGGGACTGTGTGGAGGA[T>C]GGTGGGTGGCTGCCAAGTAGCTCGAACTGCTCATGTCTGTGTGATGCTTCAACACTGCAG-3'
Protein context (NP_056258.1, residues 806-826): SSSSYLAATH[His816Arg]PPHSPLVRQL

ClinVar aggregate classification (germline): Uncertain significance (1 of 4 stars; one submission).

Conditions:
Koolen-de Vries syndrome (KDVS). Identifiers: Orphanet 96169, MedGen C1864871, MONDO:0012496, OMIM 610443.

Allele frequency attached by ClinVar (database versions not stated): TOPMed below 0.00001.

Submission:

Labcorp Genetics (formerly Invitae), Labcorp
Classification: Uncertain significance for Koolen-de Vries syndrome. Last evaluated: 2021-07-10. Review status: criteria provided, single submitter. Criteria: Invitae Variant Classification Sherloc (09022015). Collection method: clinical testing. Allele origin: germline.
Comment: In summary, the available evidence is currently insufficient to determine the role of this variant in disease. Therefore, it has been classified as a Variant of Uncertain Significance. Algorithms developed to predict the effect of missense changes on protein structure and function (SIFT, PolyPhen-2, Align-GVGD) all suggest that this variant is likely to be tolerated. This variant has not been reported in the literature in individuals affected with KANSL1-related conditions. This variant is not present in population databases (ExAC no frequency). This sequence change replaces histidine with arginine at codon 816 of the KANSL1 protein (p.His816Arg). The histidine residue is highly conserved and there is a small physicochemical difference between histidine and arginine.